The following is an entry in ClinVar:

NM_138713.4(NFAT5):c.364C>A (p.Gln122Lys)

Gene: NFAT5 (nuclear factor of activated T cells 5; plus strand). Cytogenetic location: 16q22.1.
Variant type: single nucleotide variant.
Coding change: c.364C>A on transcript NM_138713.4 (MANE Select); coding-DNA position 364, C replaced by A.
Protein change: p.Gln122Lys; replaces glutamine 122 with lysine.
Molecular consequence: missense variant. On other transcripts: nonsense (1).
Genome position (GRCh38, 1-based): chr16:69,647,138, C>A. VCF-style: chr16-69647138-C-A. GRCh37 (hg19) VCF-style: chr16-69681041-C-A.
Other names: c.364C>A, p.Gln122Lys (NM_001113178.3); c.111C>A, p.Cys37Ter (NM_001367709.1); c.310C>A, p.Gln104Lys (NM_006599.4); c.82C>A, p.Gln28Lys (NM_138714.4, NM_173214.3, NM_173215.3); short protein forms C37*, Q104K, Q122K, Q28K.
Identifiers: ClinVar variation 3615819 (VCV003615819.2).

ClinVar aggregate classification (germline): Uncertain significance (1 of 4 stars; one submission).

Conditions:
Immunodeficiency. Identifiers: MedGen C0021051, MONDO:0021094, HP:0002721.

gnomAD v4.1: 9 of 1,613,976 alleles (0.00056%); highest among the groups gnomAD compares: Non-Finnish European, 0.00068%; no homozygotes.

Submission:

Labcorp Genetics (formerly Invitae), Labcorp
Classification: Uncertain significance for Immunodeficiency. Last evaluated: 2025-11-08. Review status: criteria provided, single submitter. Criteria: Invitae Variant Classification Sherloc (09022015). Collection method: clinical testing. Allele origin: germline.
Comment: This sequence change replaces glutamine, which is neutral and polar, with lysine, which is basic and polar, at codon 28 of the NFAT5 protein (p.Gln28Lys). This variant is present in population databases (rs199754888, gnomAD no frequency). This variant has not been reported in the literature in individuals affected with NFAT5-related conditions. ClinVar contains an entry for this variant (Variation ID: 3615819). An algorithm developed to predict the effect of missense changes on protein structure and function (PolyPhen-2) suggests that this variant is likely to be disruptive. In summary, the available evidence is currently insufficient to determine the role of this variant in disease. Therefore, it has been classified as a Variant of Uncertain Significance.